The following is an entry in ClinVar:

NM_001845.6(COL4A1):c.595C>T (p.Pro199Ser)

Gene: COL4A1 (collagen type IV alpha 1 chain; minus strand). Cytogenetic location: 13q34.
Variant type: single nucleotide variant.
Coding change: c.595C>T on transcript NM_001845.6 (MANE Select); coding-DNA position 595, C replaced by T.
Protein change: p.Pro199Ser; replaces proline 199 with serine.
Molecular consequence: missense variant.
Genome position (GRCh38, 1-based): chr13:110,210,000, G>A on the plus strand (C>T on the coding strand, the complement: COL4A1 is on the minus strand). VCF-style: chr13-110210000-G-A. GRCh37 (hg19) VCF-style: chr13-110862347-G-A.
Other names: c.595C>T, p.Pro199Ser (NM_001303110.2); short protein forms P199S.
Identifiers: ClinVar variation 5005224 (VCV005005224.2).

ClinVar aggregate classification (germline): Uncertain significance (1 of 4 stars; one submission).

Conditions:
Autosomal dominant familial hematuria-retinal arteriolar tortuosity-contractures syndrome. Also called: Angiopathy, hereditary, with nephropathy, aneurysms, and muscle cramps; Hereditary Angiopathy with Nephropathy, Aneurysms, and Muscle Cramps (HANAC) Syndrome. Identifiers: Orphanet 73229, MedGen C2673195, MONDO:0012726, OMIM 611773.

gnomAD v4.1: 1 of 1,614,168 alleles (0.000062%); highest among the groups gnomAD compares: Non-Finnish European, 0.000085%; no homozygotes.

Submission:

Juno Genomics, Hangzhou Juno Genomics, Inc
Classification: Uncertain significance for Autosomal dominant familial hematuria-retinal arteriolar tortuosity-contractures syndrome. Review status: criteria provided, single submitter. Criteria: ACMG Guidelines, 2015. Collection method: clinical testing. Allele origin: germline.
Comment: Absent from controls (or at extremely low frequency if recessive) in Genome Aggregation Database.;Missense variant in a gene that has a low rate of benign missense variation.